The following is an entry in ClinVar:

NM_020822.3(KCNT1):c.408C>T (p.Leu136=)

Gene: KCNT1 (potassium sodium-activated channel subfamily T member 1; plus strand). Cytogenetic location: 9q34.3.
Variant type: single nucleotide variant.
Coding change: c.408C>T on transcript NM_020822.3 (MANE Select); coding-DNA position 408, C replaced by T.
Protein change: p.Leu136=; no amino-acid change (leucine 136 retained).
Molecular consequence: synonymous variant.
Genome position (GRCh38, 1-based): chr9:135,751,015, C>T. VCF-style: chr9-135751015-C-T. GRCh37 (hg19) VCF-style: chr9-138642861-C-T.
Other names: c.264C>T, p.Leu88= (NM_001272003.2).
Identifiers: ClinVar variation 197328 (VCV000197328.53), dbSNP rs370046449, ClinGen allele CA245398.

ClinVar aggregate classification (germline): Conflicting classifications of pathogenicity. Review status: criteria provided, conflicting classifications (1 of 4 stars). 6 submissions from 6 submitters: Uncertain significance (1); Likely benign (5). Last evaluated 2026-01-28.

Conditions:
Inborn genetic diseases. Identifiers: MedGen C0950123, MeSH D030342.
Developmental and epileptic encephalopathy, 14 (DEE14). Also called: Early infantile epileptic encephalopathy 14. Identifiers: Orphanet 293181, MedGen C3554195, MONDO:0013989, OMIM 614959.
Autosomal dominant nocturnal frontal lobe epilepsy 5. Also called: CILIARY DYSKINESIA, PRIMARY, 28, WITH SITUS INVERSUS; Epilepsy, nocturnal frontal lobe, 5; CILIARY DYSKINESIA, PRIMARY, 28, WITHOUT SITUS INVERSUS; KCNT1-Related Epilepsy. Identifiers: Orphanet 98784, MedGen C3554306, MONDO:0014002, OMIM 615005.

Allele frequency attached by ClinVar (database versions not stated): gnomAD 0.00005; TOPMed 0.00005; ExAC 0.00007; gnomAD exomes 0.00007; ESP Exome Variant Server 0.00008.
gnomAD v4.1: 56 of 1,612,214 alleles (0.0035%); highest among the groups gnomAD compares: Middle Eastern, 0.033%; no homozygotes.

Submissions (6):

Labcorp Genetics (formerly Invitae), Labcorp
Classification: Likely benign for Autosomal dominant nocturnal frontal lobe epilepsy 5; Developmental and epileptic encephalopathy, 14. Last evaluated: 2026-01-28. Review status: criteria provided, single submitter. Criteria: Invitae Variant Classification Sherloc (09022015). Collection method: clinical testing. Allele origin: germline.

Blueprint Genetics
Classification: Likely benign. Last evaluated: 2024-09-15. Review status: criteria provided, single submitter. Criteria: ACMG Guidelines, 2015. Collection method: clinical testing. Allele origin: germline.

CeGaT Center for Human Genetics Tuebingen
Classification: Likely benign. Last evaluated: 2024-04-01. Review status: criteria provided, single submitter. Criteria: CeGaT Center For Human Genetics Tuebingen Variant Classification Criteria Version 2. Collection method: clinical testing. Allele origin: germline. Affected: yes. Observed: 2 variant alleles.
Comment: KCNT1: BP4, BP7

Ambry Genetics
Classification: Likely benign for Inborn genetic diseases. Last evaluated: 2020-03-17. Review status: criteria provided, single submitter. Criteria: Ambry Variant Classification Scheme 2023. Collection method: clinical testing. Allele origin: germline.

GeneDx
Classification: Likely benign. Last evaluated: 2018-08-01. Review status: criteria provided, single submitter. Criteria: GeneDx Variant Classification Process June 2021. Collection method: clinical testing. Allele origin: germline. Affected: yes.

Eurofins Ntd Llc (ga)
Classification: Uncertain significance. Last evaluated: 2015-03-03. Review status: criteria provided, single submitter. Criteria: EGL Classification Definitions 2015. Collection method: clinical testing. Allele origin: germline. Observed: 1 variant allele, 1 heterozygote.